The following is an entry in ClinVar:

NM_002778.4(PSAP):c.*376A>G

Gene: PSAP (prosaposin; minus strand). Cytogenetic location: 10q22.1.
Variant type: single nucleotide variant.
Coding change: c.*376A>G on transcript NM_002778.4 (MANE Select); 376 bases downstream of the stop codon, A replaced by G.
Molecular consequence: 3 prime UTR variant.
Genome position (GRCh38, 1-based): chr10:71,817,065, T>C on the plus strand (A>G on the coding strand, the complement: PSAP is on the minus strand). VCF-style: chr10-71817065-T-C. GRCh37 (hg19) VCF-style: chr10-73576822-T-C.
Other names: c.*376A>G (NM_001042465.3, NM_001042466.3).
Identifiers: ClinVar variation 877693 (VCV000877693.4), dbSNP rs141906397, ClinGen allele CA209451217.

ClinVar aggregate classification (germline): Conflicting classifications of pathogenicity. Review status: criteria provided, conflicting classifications (1 of 4 stars). 4 submissions from 1 submitter: Uncertain significance (3); Likely benign (1). Last evaluated 2018-01-12.

Conditions:
Sphingolipid activator protein 1 deficiency. Also called: Metachromatic leukodystrophy due to saposin B deficiency; Saposin B Deficiency; METACHROMATIC LEUKODYSTROPHY DUE TO CEREBROSIDE SULFATASE ACTIVATOR DEFICIENCY. Identifiers: Orphanet 512, MedGen C0268262, MONDO:0009590, OMIM 249900.
Krabbe disease due to saposin A deficiency. Also called: Saposin A Deficiency; KRABBE DISEASE, ATYPICAL, DUE TO SAPOSIN A DEFICIENCY. Identifiers: Orphanet 487, MedGen C2673266, MONDO:0012720, OMIM 611722.
Combined PSAP deficiency (PSAPD). Also called: COMBINED SAP DEFICIENCY; PROSAPOSIN DEFICIENCY; Encephalopathy due to prosaposin deficiency. Identifiers: Orphanet 139406, MedGen C2673635, MONDO:0012719, OMIM 611721.
Gaucher disease due to saposin C deficiency. Also called: Atypical Gaucher disease due to saposin C deficiency; Saposin C Deficiency. Identifiers: Orphanet 309252, Orphanet 355, MedGen C1864651, MONDO:0012517, OMIM 610539.

Allele frequency attached by ClinVar (database versions not stated): gnomAD exomes 0.00007; gnomAD 0.00016; TOPMed 0.00032; 1000 Genomes Project 30x 0.00094; 1000 Genomes Project 0.00100.
gnomAD v4.1: 48 of 374,330 alleles (0.013%); highest among the groups gnomAD compares: Admixed American, 0.068%; no homozygotes.

Submissions (4):

Illumina Laboratory Services, Illumina
Classification: Uncertain significance for Krabbe disease due to saposin A deficiency. Last evaluated: 2018-01-12. Review status: criteria provided, single submitter. Criteria: ICSL Variant Classification Criteria 13 December 2019. Collection method: clinical testing. Allele origin: germline.

Illumina Laboratory Services, Illumina
Classification: Uncertain significance for Combined PSAP deficiency. Last evaluated: 2018-01-12. Review status: criteria provided, single submitter. Criteria: ICSL Variant Classification Criteria 13 December 2019. Collection method: clinical testing. Allele origin: germline.

Illumina Laboratory Services, Illumina
Classification: Uncertain significance for Sphingolipid activator protein 1 deficiency. Last evaluated: 2018-01-12. Review status: criteria provided, single submitter. Criteria: ICSL Variant Classification Criteria 13 December 2019. Collection method: clinical testing. Allele origin: germline.

Illumina Laboratory Services, Illumina
Classification: Likely benign for Gaucher disease due to saposin C deficiency. Last evaluated: 2018-01-12. Review status: criteria provided, single submitter. Criteria: ICSL Variant Classification Criteria 13 December 2019. Collection method: clinical testing. Allele origin: germline.
Comment: This variant was observed in the ICSL laboratory as part of a predisposition screen in an ostensibly healthy population. It had not been previously curated by ICSL or reported in the Human Gene Mutation Database (HGMD: prior to June 1st, 2018), and was therefore a candidate for classification through an automated scoring system. Utilizing variant allele frequency, disease prevalence and penetrance estimates, and inheritance mode, an automated score was calculated to assess if this variant is too frequent to cause the disease. Based on the score and internal cut-off values, a variant classified as likely benign is not then subjected to further curation. The score for this variant resulted in a classification of likely benign for this disease.